The following is an entry in ClinVar:

ClinVar aggregate classification (germline): Pathogenic/Likely pathogenic. Review status: criteria provided, multiple submitters, no conflicts (2 of 4 stars). 3 submissions from 3 submitters: Pathogenic (1); Likely pathogenic (2). Last evaluated 2026-04-28.

Conditions:
Smith-Lemli-Opitz syndrome (SLOS). Also called: 7-Dehydrocholesterol reductase deficiency; POLYDACTYLY, SEX REVERSAL, RENAL HYPOPLASIA, AND UNILOBAR LUNG; RSH SYNDROME; RUTLEDGE LETHAL MULTIPLE CONGENITAL ANOMALY SYNDROME; LETHAL ACRODYSGENITAL SYNDROME. Identifiers: Orphanet 818, MedGen C0175694, MONDO:0010035, OMIM 270400.
DHCR7-related disorder. Also called: DHCR7-related condition.

Allele frequency attached by ClinVar (database versions not stated): ESP Exome Variant Server 0.00008.
gnomAD v4.1: 10 of 1,613,782 alleles (0.00062%); highest among the groups gnomAD compares: Non-Finnish European, 0.00076%; no homozygotes.

Submissions (3):

PreventionGenetics, part of Exact Sciences
Classification: Likely pathogenic for DHCR7-related condition. Last evaluated: 2026-04-28. Review status: criteria provided, single submitter. Criteria: ACMG Guidelines, 2015. Collection method: clinical testing. Allele origin: germline.
Comment: The DHCR7 c.822C>A variant is predicted to result in the amino acid substitution p.Asn274Lys. This variant has been reported in four individuals with Smith-Lemli-Opitz syndrome and in at least one individual, it was observed in trans with another DHCR7 variant (Goldenberg et al. 2003. PubMed ID: 12818773; Cardoso et al. 2005. PubMed ID: 15979035; Scalco et al. 2005. PubMed ID: 15952211). This variant has not been reported in a large population database (gnomAD), indicating this variant is rare. This variant is interpreted as likely pathogenic/pathogenic in the ClinVar database (Variation ID: 1457937). We interpret this variant as likely pathogenic.

Fulgent Genetics
Classification: Likely pathogenic for Smith-Lemli-Opitz syndrome. Last evaluated: 2024-04-20. Review status: criteria provided, single submitter. Criteria: ACMG Guidelines, 2015. Collection method: clinical testing. Allele origin: germline.

Labcorp Genetics (formerly Invitae), Labcorp
Classification: Pathogenic for Smith-Lemli-Opitz syndrome. Last evaluated: 2023-07-09. Review status: criteria provided, single submitter. Criteria: Invitae Variant Classification Sherloc (09022015). Collection method: clinical testing. Allele origin: germline.
Comment: This missense change has been observed in individual(s) with Smith-Lemli-Opitz syndrome (PMID: 12818773, 15952211, 15979035). In at least one individual the data is consistent with being in trans (on the opposite chromosome) from a pathogenic variant. This sequence change replaces asparagine, which is neutral and polar, with lysine, which is basic and polar, at codon 274 of the DHCR7 protein (p.Asn274Lys). This variant is not present in population databases (gnomAD no frequency). ClinVar contains an entry for this variant (Variation ID: 1457937). Advanced modeling of protein sequence and biophysical properties (such as structural, functional, and spatial information, amino acid conservation, physicochemical variation, residue mobility, and thermodynamic stability) performed at Invitae indicates that this missense variant is expected to disrupt DHCR7 protein function. For these reasons, this variant has been classified as Pathogenic.

Literature cited by the submitters: PubMed 12818773 (cited by Labcorp Genetics (formerly Invitae), Labcorp); PubMed 15952211 (cited by Labcorp Genetics (formerly Invitae), Labcorp); PubMed 15979035 (cited by Labcorp Genetics (formerly Invitae), Labcorp).

NM_001360.3(DHCR7):c.822C>A (p.Asn274Lys)

Gene: DHCR7 (7-dehydrocholesterol reductase; minus strand). Cytogenetic location: 11q13.4.
Variant type: single nucleotide variant.
Coding change: c.822C>A on transcript NM_001360.3 (MANE Select); coding-DNA position 822, C replaced by A.
Protein change: p.Asn274Lys; replaces asparagine 274 with lysine.
Molecular consequence: missense variant.
Genome position (GRCh38, 1-based): chr11:71,438,888, G>T on the plus strand (C>A on the coding strand, the complement: DHCR7 is on the minus strand). VCF-style: chr11-71438888-G-T. GRCh37 (hg19) VCF-style: chr11-71149934-G-T.
Other names: c.822C>A, p.Asn274Lys (NM_001163817.2); c.822C>A (NM_001360.2); short protein forms N274K.
Identifiers: ClinVar variation 1457937 (VCV001457937.8), dbSNP rs139787408, ClinGen allele CA6162451.